The following is an entry in ClinVar:

ClinVar aggregate classification (germline): Uncertain significance (1 of 4 stars; one submission).

Conditions:
Epidermodysplasia verruciformis. Identifiers: Orphanet 302, MedGen C0014522, MONDO:0009176.

Allele frequency attached by ClinVar (database versions not stated): gnomAD exomes below 0.00001 and 0.00002; ExAC 0.00001; gnomAD 0.00001; TOPMed 0.00001.
gnomAD v4.1: 23 of 1,613,674 alleles (0.0014%); highest among the groups gnomAD compares: Middle Eastern, 0.033%; no homozygotes.

Submission:

Labcorp Genetics (formerly Invitae), Labcorp
Classification: Uncertain significance for Epidermodysplasia verruciformis. Last evaluated: 2022-07-06. Review status: criteria provided, single submitter. Criteria: Invitae Variant Classification Sherloc (09022015). Collection method: clinical testing. Allele origin: germline.
Comment: This sequence change replaces valine, which is neutral and non-polar, with methionine, which is neutral and non-polar, at codon 347 of the TMC6 protein (p.Val347Met). This variant is present in population databases (rs770976228, gnomAD 0.0009%). This variant has not been reported in the literature in individuals affected with TMC6-related conditions. ClinVar contains an entry for this variant (Variation ID: 1511334). Algorithms developed to predict the effect of missense changes on protein structure and function output the following: SIFT: "Not Available"; PolyPhen-2: "Benign"; Align-GVGD: "Not Available". The methionine amino acid residue is found in multiple mammalian species, which suggests that this missense change does not adversely affect protein function. In summary, the available evidence is currently insufficient to determine the role of this variant in disease. Therefore, it has been classified as a Variant of Uncertain Significance.

NM_001127198.5(TMC6):c.1039G>A (p.Val347Met)

Gene: TMC6 (transmembrane channel like 6; minus strand). Cytogenetic location: 17q25.3.
Variant type: single nucleotide variant.
Coding change: c.1039G>A on transcript NM_001127198.5 (MANE Select); coding-DNA position 1039, G replaced by A.
Protein change: p.Val347Met; replaces valine 347 with methionine.
Molecular consequence: missense variant. On other transcripts: non-coding transcript variant (4).
Genome position (GRCh38, 1-based): chr17:78,124,032, C>T on the plus strand (G>A on the coding strand, the complement: TMC6 is on the minus strand). VCF-style: chr17-78124032-C-T. GRCh37 (hg19) VCF-style: chr17-76120113-C-T.
Other names: c.1039G>A, p.Val347Met (NM_001321185.1, NM_001374593.1, NM_001374594.1 and 4 more transcripts); short protein forms V347M.
Identifiers: ClinVar variation 1511334 (VCV001511334.3), dbSNP rs770976228, ClinGen allele CA8795903.
Genomic context (GRCh38, chr17:78,124,032, plus strand): 5'-TGAGGTGGAGGCATTACCTGTACACCAGGGTGATGCAGGTGATAAAGAAGCTCACGCCCA[C>T]AGTGGAGAGGTAGGCCAGGGGCATGTTGTAGGGCAGGCCACCCACCCTGGGTGTGCACTG-3'
Protein context (NP_001120670.1, residues 337-357): YNMPLAYLST[Val347Met]GVSFFITCIT